The following is an entry in ClinVar:

NM_001122955.4(BSCL2):c.88-663G>A

Genes: BSCL2 (BSCL2 lipid droplet biogenesis associated, seipin; minus strand), HNRNPUL2-BSCL2 (HNRNPUL2-BSCL2 readthrough (NMD candidate); minus strand). Cytogenetic location: 11q12.3.
Variant type: single nucleotide variant.
Coding change: c.88-663G>A on transcript NM_001122955.4 (MANE Select); 663 bases into the intron before coding-DNA position 88, G replaced by A.
Molecular consequence: intron variant. On other transcripts: 5 prime UTR variant (2).
Genome position (GRCh38, 1-based): chr11:62,706,280, C>T on the plus strand (G>A on the coding strand, the complement: BSCL2 is on the minus strand). VCF-style: chr11-62706280-C-T. GRCh37 (hg19) VCF-style: chr11-62473752-C-T.
Other names: c.-183G>A (NM_001130702.2, NM_032667.6); c.88-663G>A (NM_001386028.1, NM_001386027.1).
Identifiers: ClinVar variation 305190 (VCV000305190.10), dbSNP rs117862461, ClinGen allele CA10631111.

ClinVar aggregate classification (germline): Conflicting classifications of pathogenicity. Review status: criteria provided, conflicting classifications (1 of 4 stars). 4 submissions from 3 submitters: Uncertain significance (1); Benign (1); Likely benign (2). Last evaluated 2021-05-15.

Conditions:
Hereditary spastic paraplegia. Also called: Familial spastic paraparesis. Identifiers: Orphanet 685, MedGen C0037773, MONDO:0019064. Disease mechanism: loss of function.
Congenital generalized lipodystrophy type 2 (CGL2). Also called: BERARDINELLI SYNDROME; BRUNZELL SYNDROME, BSCL2-RELATED; SEIP SYNDROME; Berardinelli-Seip Congenital Lipodystrophy Type 2. Identifiers: Orphanet 528, Orphanet 696289, MedGen C1720863, MONDO:0010020, OMIM 269700.
Neuronopathy, distal hereditary motor, type 5A (HMND5). Also called: Distal Spinal Muscular Atrophy V; DHMN VA; Distal Spinal Muscular Atrophy V (dSMA-V); NEURONOPATHY, DISTAL HEREDITARY MOTOR, AUTOSOMAL DOMINANT 5. Identifiers: Orphanet 139536, MedGen CN031873, MONDO:0015353, OMIM 600794.

Allele frequency attached by ClinVar (database versions not stated): 1000 Genomes Project 0.00459; 1000 Genomes Project 30x 0.00547; TOPMed 0.01365.
gnomAD v4.1: 23,077 of 1,108,064 alleles (2.1%); highest among the groups gnomAD compares: Non-Finnish European, 2.4%; 313 homozygotes.

Submissions (4):

GeneDx
Classification: Likely benign. Last evaluated: 2021-05-15. Review status: criteria provided, single submitter. Criteria: GeneDx Variant Classification Process June 2021. Collection method: clinical testing. Allele origin: germline. Affected: yes.

Illumina Laboratory Services, Illumina
Classification: Likely benign for Congenital generalized lipodystrophy type 2. Last evaluated: 2018-01-12. Review status: criteria provided, single submitter. Criteria: ICSL Variant Classification Criteria 13 December 2019. Collection method: clinical testing. Allele origin: germline.
Comment: This variant was observed in the ICSL laboratory as part of a predisposition screen in an ostensibly healthy population. It had not been previously curated by ICSL or reported in the Human Gene Mutation Database (HGMD: prior to June 1st, 2018), and was therefore a candidate for classification through an automated scoring system. Utilizing variant allele frequency, disease prevalence and penetrance estimates, and inheritance mode, an automated score was calculated to assess if this variant is too frequent to cause the disease. Based on the score and internal cut-off values, a variant classified as likely benign is not then subjected to further curation. The score for this variant resulted in a classification of likely benign for this disease.

Illumina Laboratory Services, Illumina
Classification: Benign for Neuronopathy, distal hereditary motor, type 5A. Last evaluated: 2018-01-12. Review status: criteria provided, single submitter. Criteria: ICSL Variant Classification Criteria 13 December 2019. Collection method: clinical testing. Allele origin: germline.
Comment: This variant was observed in the ICSL laboratory as part of a predisposition screen in an ostensibly healthy population. It had not been previously curated by ICSL or reported in the Human Gene Mutation Database (HGMD: prior to June 1st, 2018), and was therefore a candidate for classification through an automated scoring system. Utilizing variant allele frequency, disease prevalence and penetrance estimates, and inheritance mode, an automated score was calculated to assess if this variant is too frequent to cause the disease. Based on the score and internal cut-off values, a variant classified as benign is not then subjected to further curation. The score for this variant resulted in a classification of benign for this disease.

Genome Diagnostics Laboratory, The Hospital for Sick Children
Classification: Uncertain significance for Hereditary spastic paraplegia. Last evaluated: 2016-12-22. Review status: criteria provided, single submitter. Criteria: ACMG Guidelines, 2015. Collection method: clinical testing. Allele origin: germline. Affected: yes.